The following is an entry in ClinVar:

NM_152564.5(VPS13B):c.6074del (p.Pro2025fs)

Gene: VPS13B (vacuolar protein sorting 13 homolog B; plus strand). Cytogenetic location: 8q22.2.
Variant type: Deletion.
Coding change: c.6074del on transcript NM_152564.5 (MANE Select); coding-DNA position 6074, one base deleted (C; older notation c.6074delC).
Protein change: p.Pro2025fs; shifts the reading frame from proline 2025.
Molecular consequence: frameshift variant.
Genome position (GRCh38, 1-based): chr8:99,699,552, C deleted; the last of 2 consecutive C bases (chr8:99,699,551-99,699,552); deleting either gives the same sequence. VCF-style (leftmost placement, unchanged base first): chr8-99699550-GC-G. GRCh37 (hg19) VCF-style: chr8-100711778-GC-G.
Other names: c.6149del, p.Pro2050fs (NM_017890.5); short protein forms P2050fs, P2025fs.
Identifiers: ClinVar variation 2821612 (VCV002821612.3), dbSNP rs2491483375, ClinGen allele CA2739268931.

ClinVar aggregate classification (germline): Pathogenic (1 of 4 stars; one submission).

Conditions:
Cohen syndrome (COH1). Also called: PEPPER SYNDROME; Cutis verticis gyrata, retinitis pigmentosa, and sensorineural deafness. Identifiers: Orphanet 193, MedGen C0265223, MONDO:0008999, OMIM 216550.

Submission:

Labcorp Genetics (formerly Invitae), Labcorp
Classification: Pathogenic for Cohen syndrome. Last evaluated: 2022-12-16. Review status: criteria provided, single submitter. Criteria: Invitae Variant Classification Sherloc (09022015). Collection method: clinical testing. Allele origin: germline.
Comment: This sequence change creates a premature translational stop signal (p.Pro2050Leufs*2) in the VPS13B gene. It is expected to result in an absent or disrupted protein product. Loss-of-function variants in VPS13B are known to be pathogenic (PMID: 15141358, 16648375, 20461111). This variant is not present in population databases (gnomAD no frequency). This variant has not been reported in the literature in individuals affected with VPS13B-related conditions. For these reasons, this variant has been classified as Pathogenic.

Literature cited by the submitters: PubMed 15141358; PubMed 16648375; PubMed 20461111.